The following is an entry in ClinVar:

NM_018249.6(CDK5RAP2):c.2457_2466del (p.Asp820fs)

Gene: CDK5RAP2 (CDK5 regulatory subunit associated protein 2; minus strand). Cytogenetic location: 9q33.2.
Variant type: Deletion.
Coding change: c.2457_2466del on transcript NM_018249.6 (MANE Select); coding-DNA positions 2457 to 2466, 10 bases deleted (TGATGGTAAA; older notation c.2457_2466delTGATGGTAAA).
Protein change: p.Asp820fs; shifts the reading frame from aspartic acid 820.
Molecular consequence: frameshift variant. On other transcripts: intron variant (1), non-coding transcript variant (5).
Genome position (GRCh38, 1-based): chr9:120,453,783-120,453,792, TTTACCATCA deleted on the plus strand (TGATGGTAAA on the coding strand, the reverse complement: CDK5RAP2 is on the minus strand). VCF-style (leftmost placement, unchanged base first): chr9-120453782-TTTTACCATCA-T. GRCh37 (hg19) VCF-style: chr9-123216060-TTTTACCATCA-T.
Other names: c.2104-5666_2104-5657del (NM_001272039.2); c.2457_2466del, p.Asp820fs (NM_001011649.3); c.2358_2367del, p.Asp787fs (NM_001410992.1); c.2361_2370del, p.Asp788fs (NM_001410993.1); c.2454_2463del, p.Asp819fs (NM_001410994.1); short protein forms D787fs, D788fs, D819fs, D820fs.
Identifiers: ClinVar variation 3006817 (VCV003006817.3), dbSNP rs2036603652, ClinGen allele CA1876649009.
Genomic context (GRCh38, chr9:120,453,782, plus strand): 5'-AAAATGAGTTGGTTTGGACAAAATGTACAAGTTCACCTTTTTGCTTAGGTGTCTTCTCAG[TTTTACCATCA>T]AGGTGTTCTCCAGAAACTTCCTGCTCTGTCAAGAATAGTTGTCCCAGAAGCAGTTCCCGT-3'

ClinVar aggregate classification (germline): Pathogenic (1 of 4 stars; one submission).

Allele frequency attached by ClinVar (database versions not stated): gnomAD exomes below 0.00001.

Submission:

Labcorp Genetics (formerly Invitae), Labcorp
Classification: Pathogenic. Last evaluated: 2023-09-30. Review status: criteria provided, single submitter. Criteria: Invitae Variant Classification Sherloc (09022015). Collection method: clinical testing. Allele origin: germline.
Comment: For these reasons, this variant has been classified as Pathogenic. This variant has not been reported in the literature in individuals affected with CDK5RAP2-related conditions. This variant is not present in population databases (gnomAD no frequency). This sequence change creates a premature translational stop signal (p.Asp820Leufs*27) in the CDK5RAP2 gene. It is expected to result in an absent or disrupted protein product. Loss-of-function variants in CDK5RAP2 are known to be pathogenic (PMID: 15793586, 20460369, 26436113).

Literature cited by the submitters: PubMed 15793586; PubMed 20460369; PubMed 26436113.